The following is an entry in ClinVar:

NM_177438.3(DICER1):c.1553C>G (p.Ala518Gly)

Gene: DICER1 (dicer 1, ribonuclease III; minus strand). Cytogenetic location: 14q32.13.
Variant type: single nucleotide variant.
Coding change: c.1553C>G on transcript NM_177438.3 (MANE Select); coding-DNA position 1553, C replaced by G.
Protein change: p.Ala518Gly; replaces alanine 518 with glycine.
Molecular consequence: missense variant.
Genome position (GRCh38, 1-based): chr14:95,116,652, G>C on the plus strand (C>G on the coding strand, the complement: DICER1 is on the minus strand). VCF-style: chr14-95116652-G-C. GRCh37 (hg19) VCF-style: chr14-95582989-G-C.
Other names: c.1553C>G, p.Ala518Gly (NM_001195573.1, NM_001271282.3, NM_001291628.2 and 1 more transcripts); short protein forms A518G.
Identifiers: ClinVar variation 574439 (VCV000574439.10), dbSNP rs1566790489, ClinGen allele CA390885090.

ClinVar aggregate classification (germline): Uncertain significance (1 of 4 stars; one submission).

Conditions:
DICER1-related tumor predisposition. Also called: DICER1 syndrome; DICER1-related pleuropulmonary blastoma cancer predisposition syndrome. Identifiers: Orphanet 284343, MedGen C3839822, MONDO:0100216.

Submission:

Labcorp Genetics (formerly Invitae), Labcorp
Classification: Uncertain significance for DICER1-related tumor predisposition. Last evaluated: 2018-02-01. Review status: criteria provided, single submitter. Criteria: Invitae Variant Classification Sherloc (09022015). Collection method: clinical testing. Allele origin: germline.
Comment: In summary, the available evidence is currently insufficient to determine the role of this variant in disease. Therefore, it has been classified as a Variant of Uncertain Significance. Algorithms developed to predict the effect of missense changes on protein structure and function do not agree on the potential impact of this missense change (SIFT: "Tolerated"; PolyPhen-2: "Probably Damaging"; Align-GVGD: "Class C0"). This variant has not been reported in the literature in individuals with DICER1-related disease. This variant is not present in population databases (ExAC no frequency). This sequence change replaces alanine with glycine at codon 518 of the DICER1 protein (p.Ala518Gly). The alanine residue is highly conserved and there is a small physicochemical difference between alanine and glycine.